The following is an entry in ClinVar:

NM_198123.2(CSMD3):c.9079C>T (p.Leu3027Phe)

Gene: CSMD3 (CUB and Sushi multiple domains 3; minus strand). Cytogenetic location: 8q23.3.
Variant type: single nucleotide variant.
Coding change: c.9079C>T on transcript NM_198123.2 (MANE Select); coding-DNA position 9079, C replaced by T.
Protein change: p.Leu3027Phe; replaces leucine 3027 with phenylalanine.
Molecular consequence: missense variant.
Genome position (GRCh38, 1-based): chr8:112,289,434, G>A on the plus strand (C>T on the coding strand, the complement: CSMD3 is on the minus strand). VCF-style: chr8-112289434-G-A. GRCh37 (hg19) VCF-style: chr8-113301663-G-A.
Other names: c.8479C>T, p.Leu2827Phe (NM_001363185.1); c.8572C>T, p.Leu2858Phe (NM_052900.3); c.8959C>T, p.Leu2987Phe (NM_198124.2); short protein forms L2858F, L2987F, L3027F, L2827F.
Identifiers: ClinVar variation 2508902 (VCV002508902.3), dbSNP rs566702049, ClinGen allele CA4848797.
Genomic context (GRCh38, chr8:112,289,434, plus strand): 5'-GAGGTTGTGATCCACTCCAATGGCCATTCAATTGGCAGGTTCTTGATGACTGGCCTAAAA[G>A]GGAACGCTTTCCTGTGCAGGAATAGTGAACAGTAGACCCAAAAGTATACTTCTCGCCAGA-3'
Protein context (NP_937756.1, residues 3017-3037): VHYSCTGKRS[Leu3027Phe]LGQSSRTCQL

ClinVar aggregate classification (germline): Uncertain significance. Review status: criteria provided, multiple submitters, no conflicts (2 of 4 stars). 2 submissions from 2 submitters: Uncertain significance (2). Last evaluated 2025-03-22.

Conditions:
Familial meningioma. Also called: Meningioma, familial, susceptibility to. Identifiers: Orphanet 263662, MedGen C3551915, MONDO:0011789, OMIM 607174.

Allele frequency attached by ClinVar (database versions not stated): ExAC 0.00004; TOPMed 0.00004; 1000 Genomes Project 30x 0.00031; 1000 Genomes Project 0.00040.
gnomAD v4.1: 121 of 1,613,348 alleles (0.0075%); highest among the groups gnomAD compares: Non-Finnish European, 0.0089%; 1 homozygote.

Submissions (2):

Dr. Guy Rouleau's laboratory, McGill University
Classification: Uncertain significance for Familial meningioma. Last evaluated: 2025-03-22. Review status: criteria provided, single submitter. Criteria: ACMG Guidelines, 2015. Collection method: research. Allele origin: germline. Affected: yes.
Comment: This missense variant located at the position 3027, is change from Leucine (L), neutral and non-polar amino acid to Penylalanine (F), neutral and aromatic amino acid in CSMD3 gene. This variant has an entry in Clinvar (ID:2508902) and has been reported in population database (gnomAD v2.1.1 allele frequency =0.00006724, exome coverage 91X). Based on the available evidence, the clinical significance of this variant is unknown.

Ambry Genetics
Classification: Uncertain significance. Last evaluated: 2023-05-23. Review status: criteria provided, single submitter. Criteria: Ambry Variant Classification Scheme 2023. Collection method: clinical testing. Allele origin: germline.